The following is an entry in ClinVar:

ClinVar aggregate classification (germline): Uncertain significance (1 of 4 stars; one submission).

Conditions:
Hereditary cancer-predisposing syndrome. Also called: Neoplastic Syndromes, Hereditary; Hereditary neoplastic syndrome; Tumor predisposition; Hereditary Cancer Syndrome. Identifiers: Orphanet 140162, MedGen C0027672, MeSH D009386, MONDO:0015356.

gnomAD v4.1: 2 of 1,609,692 alleles (0.00012%); highest among the groups gnomAD compares: Non-Finnish European, 0.00017%; no homozygotes.

Submission:

Labcorp Genetics (formerly Invitae), Labcorp
Classification: Uncertain significance for Hereditary cancer-predisposing syndrome. Last evaluated: 2021-05-03. Review status: criteria provided, single submitter. Criteria: Invitae Variant Classification Sherloc (09022015). Collection method: clinical testing. Allele origin: germline.
Comment: This variant is not present in population databases (ExAC no frequency). This sequence change falls in intron 18 of the RAD50 gene. It does not directly change the encoded amino acid sequence of the RAD50 protein. It affects a nucleotide within the consensus splice site of the intron. This variant has not been reported in the literature in individuals with RAD50-related conditions. In summary, the available evidence is currently insufficient to determine the role of this variant in disease. Therefore, it has been classified as a Variant of Uncertain Significance. Nucleotide substitutions within the consensus splice site are a relatively common cause of aberrant splicing (PMID: 17576681, 9536098). Algorithms developed to predict the effect of sequence changes on RNA splicing suggest that this variant may disrupt the consensus splice site, but this prediction has not been confirmed by published transcriptional studies.

Literature cited by the submitters: PubMed 17576681; PubMed 9536098.

NM_005732.4(RAD50):c.2922+4A>G

Gene: RAD50 (RAD50 double strand break repair protein; plus strand). Cytogenetic location: 5q31.1.
Variant type: single nucleotide variant.
Coding change: c.2922+4A>G on transcript NM_005732.4 (MANE Select); 4 bases into the intron after coding-DNA position 2922, A replaced by G.
Molecular consequence: intron variant.
Genome position (GRCh38, 1-based): chr5:132,609,213, A>G. VCF-style: chr5-132609213-A-G. GRCh37 (hg19) VCF-style: chr5-131944905-A-G.
Identifiers: ClinVar variation 1392524 (VCV001392524.6), dbSNP rs2149849754, ClinGen allele CA2573138986.
Genomic context (GRCh38, chr5:132,609,213, plus strand): 5'-GGCTATATGAAAGACATTGAGAATTATATTCAAGATGGGAAAGACGACTATAAGAAGGTA[A>G]TTTAAAACTTAAAATTATTTATTTGATTGTATTTTTATTCATGTGCTTAAAGAATTTTCT-3'